The following is an entry in ClinVar:

NM_001010867.4(IBA57):c.210G>C (p.Leu70=)

Gene: IBA57 (iron-sulfur cluster assembly factor IBA57; plus strand). Cytogenetic location: 1q42.13.
Variant type: single nucleotide variant.
Coding change: c.210G>C on transcript NM_001010867.4 (MANE Select); coding-DNA position 210, G replaced by C.
Protein change: p.Leu70=; no amino-acid change (leucine 70 retained).
Molecular consequence: synonymous variant.
Genome position (GRCh38, 1-based): chr1:228,166,026, G>C. VCF-style: chr1-228166026-G-C. GRCh37 (hg19) VCF-style: chr1-228353727-G-C.
Identifiers: ClinVar variation 559321 (VCV000559321.19), dbSNP rs199589485, ClinGen allele CA1431082.
Genomic context (GRCh38, chr1:228,166,026, plus strand): 5'-CTTCCGGCTGGACGGGCGCACCCTGCTGCGCGTGCGTGGCCCCGACGCGGCGCCCTTCCT[G>C]CTAGGGCTGCTGACCAATGAACTGCCGCTTCCGAGTCCTGCGGCCGCGGGGGCCCCGCCT-3'
Protein context (NP_001010867.1, residues 60-80): RVRGPDAAPF[Leu70=]LGLLTNELPL

ClinVar aggregate classification (germline): Benign/Likely benign. Review status: criteria provided, multiple submitters, no conflicts (2 of 4 stars). 5 submissions from 5 submitters: Benign (1); Likely benign (3). 1 of the submissions does not count toward it. Last evaluated 2026-04-14.

Conditions:
IBA57-related disorder. Also called: IBA57-related condition.
Multiple mitochondrial dysfunctions syndrome 3 (MMDS3). Identifiers: Orphanet 363424, MedGen C3809165, MONDO:0014132, OMIM 615330.
Hereditary spastic paraplegia 74. Also called: Spastic paraplegia 74, autosomal recessive. Identifiers: Orphanet 468661, MedGen C5568837, MONDO:0014644, OMIM 616451.

Allele frequency attached by ClinVar (database versions not stated): ExAC 0.00017; gnomAD 0.00073; 1000 Genomes Project 0.00080; gnomAD exomes 0.00097; TOPMed 0.00110; 1000 Genomes Project 30x 0.00265.

Submissions (5):

PreventionGenetics, part of Exact Sciences
Classification: Likely benign for IBA57-related condition. Last evaluated: 2026-04-14. Review status: criteria provided, single submitter. Criteria: ACMG Guidelines, 2015. Collection method: clinical testing. Allele origin: germline.
Comment: This variant is classified as likely benign based on ACMG/AMP sequence variant interpretation guidelines (Richards et al. 2015 PMID: 25741868, with internal and published modifications).

Labcorp Genetics (formerly Invitae), Labcorp
Classification: Benign for Multiple mitochondrial dysfunctions syndrome 3; Hereditary spastic paraplegia 74. Last evaluated: 2025-11-25. Review status: criteria provided, single submitter. Criteria: Invitae Variant Classification Sherloc (09022015). Collection method: clinical testing. Allele origin: germline.

Blueprint Genetics
Classification: Likely benign. Last evaluated: 2024-11-21. Review status: criteria provided, single submitter. Criteria: ACMG Guidelines, 2015. Collection method: clinical testing. Allele origin: germline.

GeneDx
Classification: Likely benign. Last evaluated: 2020-07-27. Review status: criteria provided, single submitter. Criteria: GeneDx Variant Classification Process June 2021. Collection method: clinical testing. Allele origin: germline. Affected: yes.

Mayo Clinic Laboratories, Mayo Clinic
Classification: Likely benign. Last evaluated: 2017-12-28. Review status: no assertion criteria provided. Collection method: clinical testing. Allele origin: unknown. Not counted in ClinVar's aggregate classification.